The following is an entry in ClinVar:

ClinVar aggregate classification (germline): Likely benign (0 of 4 stars; one submission).

Conditions:
TMED3-related disorder. Also called: TMED3-related condition.

Allele frequency attached by ClinVar (database versions not stated): ExAC 0.00002; gnomAD 0.00003.
gnomAD v4.1: 21 of 1,614,120 alleles (0.0013%); highest among the groups gnomAD compares: Admixed American, 0.02%; no homozygotes.

Submission:

PreventionGenetics, part of Exact Sciences
Classification: Likely benign for TMED3-related condition. Last evaluated: 2022-05-27. Review status: no assertion criteria provided. Collection method: clinical testing. Allele origin: germline.
Comment: This variant is classified as likely benign based on ACMG/AMP sequence variant interpretation guidelines (Richards et al. 2015 PMID: 25741868, with internal and published modifications).

NM_007364.4(TMED3):c.333C>T (p.His111=)

Gene: TMED3 (transmembrane p24 trafficking protein 3; plus strand). Cytogenetic location: 15q25.1.
Variant type: single nucleotide variant.
Coding change: c.333C>T on transcript NM_007364.4 (MANE Select); coding-DNA position 333, C replaced by T.
Protein change: p.His111=; no amino-acid change (histidine 111 retained).
Molecular consequence: synonymous variant. On other transcripts: non-coding transcript variant (1).
Genome position (GRCh38, 1-based): chr15:79,313,921, C>T. VCF-style: chr15-79313921-C-T. GRCh37 (hg19) VCF-style: chr15-79606263-C-T.
Other names: c.333C>T, p.His111= (NM_001301203.3, NM_001330376.2, NM_001363735.2).
Identifiers: ClinVar variation 3052488 (VCV003052488.2), dbSNP rs773718074, ClinGen allele CA7689419.